The following is an entry in ClinVar:

NM_001130987.2(DYSF):c.4037C>T (p.Ala1346Val)

Gene: DYSF (dysferlin; plus strand). Cytogenetic location: 2p13.2.
Variant type: single nucleotide variant.
Coding change: c.4037C>T on transcript NM_001130987.2 (MANE Select); coding-DNA position 4037, C replaced by T.
Protein change: p.Ala1346Val; replaces alanine 1346 with valine.
Molecular consequence: missense variant.
Genome position (GRCh38, 1-based): chr2:71,611,324, C>T. VCF-style: chr2-71611324-C-T. GRCh37 (hg19) VCF-style: chr2-71838454-C-T.
Other names: p.Ala1328Val; c.3986C>T, p.Ala1329Val (NM_001130455.2, NM_001130983.2); c.3941C>T, p.Ala1314Val (NM_001130976.2, NM_001130977.2); c.3983C>T, p.Ala1328Val (NM_001130978.2, NM_003494.4); c.4076C>T, p.Ala1359Val (NM_001130979.2); c.4034C>T, p.Ala1345Val (NM_001130980.2, NM_001130981.2); c.4079C>T, p.Ala1360Val (NM_001130982.2); c.3944C>T, p.Ala1315Val (NM_001130984.2, NM_001130986.2); and 1 more; short protein forms A1328V, A1346V, A1359V, A1314V, A1315V, A1329V, A1345V, A1360V.
Identifiers: ClinVar variation 282423 (VCV000282423.66), dbSNP rs201476613, ClinGen allele CA1706844.

ClinVar aggregate classification (germline): Conflicting classifications of pathogenicity. Review status: criteria provided, conflicting classifications (1 of 4 stars). 9 submissions from 9 submitters: Uncertain significance (3); Benign (1); Likely benign (4). 1 of the submissions does not count toward it. Last evaluated 2026-01-24.

Conditions:
Neuromuscular disease caused by qualitative or quantitative defects of dysferlin. Also called: Dysferlinopathy; Qualitative or quantitative defects of dysferlin. Identifiers: Orphanet 207073, MedGen C2931687, MONDO:0016145.
Autosomal recessive limb-girdle muscular dystrophy type 2B (LGMDR2). Also called: MUSCULAR DYSTROPHY, LIMB-GIRDLE, TYPE 3; Limb-Girdle Muscular Dystrophy Type 2B (LGMD2B); Limb-girdle muscular dystrophy, type 2B; MUSCULAR DYSTROPHY, LIMB-GIRDLE, AUTOSOMAL RECESSIVE 2. Identifiers: Orphanet 268, MedGen C1850889, MONDO:0009676, OMIM 253601.

Allele frequency attached by ClinVar (database versions not stated): gnomAD 0.00009 and 0.00014; TOPMed 0.00012; ESP Exome Variant Server 0.00015; gnomAD exomes 0.00019 and 0.00034; ExAC 0.00034; 1000 Genomes Project 30x 0.00047; 1000 Genomes Project 0.00060.
gnomAD v4.1: 296 of 1,613,976 alleles (0.018%); highest among the groups gnomAD compares: South Asian, 0.22%; 1 homozygote.

Submissions (9):

Labcorp Genetics (formerly Invitae), Labcorp
Classification: Benign for Neuromuscular disease caused by qualitative or quantitative defects of dysferlin. Last evaluated: 2026-01-24. Review status: criteria provided, single submitter. Criteria: Invitae Variant Classification Sherloc (09022015). Collection method: clinical testing. Allele origin: germline.

Blueprint Genetics
Classification: Likely benign. Last evaluated: 2024-10-08. Review status: criteria provided, single submitter. Criteria: ACMG Guidelines, 2015. Collection method: clinical testing. Allele origin: germline.

CeGaT Center for Human Genetics Tuebingen
Classification: Likely benign. Last evaluated: 2024-05-01. Review status: criteria provided, single submitter. Criteria: CeGaT Center For Human Genetics Tuebingen Variant Classification Criteria Version 2. Collection method: clinical testing. Allele origin: germline. Affected: yes. Observed: 2 variant alleles.
Comment: DYSF: BP4

Mayo Clinic Laboratories, Mayo Clinic
Classification: Uncertain significance. Last evaluated: 2024-03-15. Review status: criteria provided, single submitter. Criteria: ACMG Guidelines, 2015. Collection method: clinical testing. Allele origin: germline. Observed: 1 variant allele.
Comment: BP4

Athena Diagnostics
Classification: Likely benign. Last evaluated: 2024-02-02. Review status: criteria provided, single submitter. Criteria: Athena Diagnostics Criteria. Collection method: clinical testing. Allele origin: unknown.

Revvity Omics, Revvity
Classification: Likely benign. Last evaluated: 2023-12-13. Review status: criteria provided, single submitter. Criteria: ACMG Guidelines, 2015. Collection method: clinical testing. Allele origin: germline.

Genetic Services Laboratory, University of Chicago
Classification: Uncertain significance. Last evaluated: 2017-11-15. Review status: criteria provided, single submitter. Criteria: ACMG Guidelines, 2015. Collection method: clinical testing. Allele origin: germline. Affected: no.

Eurofins Ntd Llc (ga)
Classification: Uncertain significance. Last evaluated: 2017-04-10. Review status: criteria provided, single submitter. Criteria: EGL Classification Definitions 2015. Collection method: clinical testing. Allele origin: germline. Observed: 2 variant alleles, 2 heterozygotes.

Natera, Inc.
Classification: Benign for Limb-girdle muscular dystrophy type 2B. Last evaluated: 2019-10-28. Review status: no assertion criteria provided. Collection method: clinical testing. Allele origin: germline. Not counted in ClinVar's aggregate classification.